The following is an entry in ClinVar:

NM_020821.3(VPS13C):c.5757A>T (p.Glu1919Asp)

Gene: VPS13C (vacuolar protein sorting 13 homolog C; minus strand). Cytogenetic location: 15q22.2.
Variant type: single nucleotide variant.
Coding change: c.5757A>T on transcript NM_020821.3 (MANE Select); coding-DNA position 5757, A replaced by T.
Protein change: p.Glu1919Asp; replaces glutamic acid 1919 with aspartic acid.
Molecular consequence: missense variant.
Genome position (GRCh38, 1-based): chr15:61,934,330, T>A on the plus strand (A>T on the coding strand, the complement: VPS13C is on the minus strand). VCF-style: chr15-61934330-T-A. GRCh37 (hg19) VCF-style: chr15-62226529-T-A.
Other names: c.5757A>T, p.Glu1919Asp (NM_001018088.3); c.5628A>T, p.Glu1876Asp (NM_017684.5, NM_018080.4); short protein forms E1876D, E1919D.
Identifiers: ClinVar variation 1974789 (VCV001974789.5), dbSNP rs1270698595, ClinGen allele CA392688966.

ClinVar aggregate classification (germline): Uncertain significance (1 of 4 stars; one submission).

gnomAD v4.1: 1 of 1,502,552 alleles (0.000067%); highest among the groups gnomAD compares: African/African-American, 0.0014%; no homozygotes.

Submission:

Labcorp Genetics (formerly Invitae), Labcorp
Classification: Uncertain significance. Last evaluated: 2022-02-08. Review status: criteria provided, single submitter. Criteria: Invitae Variant Classification Sherloc (09022015). Collection method: clinical testing. Allele origin: germline.
Comment: In summary, the available evidence is currently insufficient to determine the role of this variant in disease. Therefore, it has been classified as a Variant of Uncertain Significance. Algorithms developed to predict the effect of missense changes on protein structure and function output the following: SIFT: "Tolerated"; PolyPhen-2: "Benign"; Align-GVGD: "Class C0". The aspartic acid amino acid residue is found in multiple mammalian species, which suggests that this missense change does not adversely affect protein function. This variant has not been reported in the literature in individuals affected with VPS13C-related conditions. This variant is not present in population databases (gnomAD no frequency). This sequence change replaces glutamic acid, which is acidic and polar, with aspartic acid, which is acidic and polar, at codon 1919 of the VPS13C protein (p.Glu1919Asp).